The following is an entry in ClinVar:

NM_001754.5(RUNX1):c.1107G>A (p.Ser369=)

Gene: RUNX1 (RUNX family transcription factor 1; minus strand). Cytogenetic location: 21q22.12.
Variant type: single nucleotide variant.
Coding change: c.1107G>A on transcript NM_001754.5 (MANE Select); coding-DNA position 1107, G replaced by A.
Protein change: p.Ser369=; no amino-acid change (serine 369 retained).
Molecular consequence: synonymous variant.
Genome position (GRCh38, 1-based): chr21:34,792,471, C>T on the plus strand (G>A on the coding strand, the complement: RUNX1 is on the minus strand). VCF-style: chr21-34792471-C-T. GRCh37 (hg19) VCF-style: chr21-36164768-C-T.
Other names: NM_001754.5(RUNX1):c.1107G>A; p.Ser369=; c.1026G>A, p.Ser342= (NM_001001890.3).
Identifiers: ClinVar variation 642844 (VCV000642844.11), dbSNP rs1445295022, ClinGen allele CA512341302.

ClinVar aggregate classification (germline): Likely benign. Review status: reviewed by expert panel (3 of 4 stars). 4 submissions from 4 submitters: Likely benign (1). 3 of the submissions do not count toward it. Last evaluated 2024-09-18.

Conditions:
Inborn genetic diseases. Identifiers: MedGen C0950123, MeSH D030342.
Hereditary thrombocytopenia and hematological cancer predisposition syndrome associated with RUNX1. Also called: Familial Platelet Disorder with Propensity to Acute Myelogenous Leukemia; Familial thrombocytopenia with propensity to acute myelogenous leukemia; RUNX1 Familial Platelet Disorder with Associated Myeloid Malignancies; PLATELET DISORDER, ASPIRIN-LIKE. Identifiers: Orphanet 71290, MedGen C1832388, MeSH C563324, MONDO:0100083, OMIM 601399.
RUNX1-related disorder. Also called: RUNX1-related condition.
Hereditary thrombocytopenia and hematologic cancer predisposition syndrome. Identifiers: Orphanet 71290, MedGen CN281654, MONDO:0011071.

gnomAD v4.1: 3 of 1,585,696 alleles (0.00019%); highest among the groups gnomAD compares: East Asian, 0.0023%; no homozygotes.

Submissions (4):

ClinGen Myeloid Malignancy Variant Curation Expert Panel
Classification: Likely benign for Hereditary thrombocytopenia and hematologic cancer predisposition syndrome. Last evaluated: 2024-09-18. Review status: reviewed by expert panel. Criteria: ClinGen MyeloMalig ACMG Specifications v2. Collection method: curation. Allele origin: germline. Inheritance: Autosomal dominant inheritance.
Comment: NM_001754.5(RUNX1):c.1107G>A (p.Ser369=) is a synonymous variant which has a SpliceAI score ≤ 0.20 (0.0) (BP4). This variant has a SpliceAI score ≤ 0.20 (0.0) and evolutionary conservation prediction algorithms predict the site as not being conserved (PhyloP score ≤ 2.0 (-0.62) (BP7). This variant is completely absent from all population databases with at least 20x coverage for RUNX1 (PM2_Supporting). In summary, this variant meets criteria to be classified as likely benign. ACMG/AMP criteria applied, as specified by the Myeloid Malignancy Variant Curation Expert Panel for RUNX1: BP4, BP7, PM2_supporting.

Labcorp Genetics (formerly Invitae), Labcorp
Classification: Likely benign for Hereditary thrombocytopenia and hematological cancer predisposition syndrome associated with RUNX1. Last evaluated: 2025-11-17. Review status: criteria provided, single submitter. Criteria: Invitae Variant Classification Sherloc (09022015). Collection method: clinical testing. Allele origin: germline. Not counted in ClinVar's aggregate classification.

Ambry Genetics
Classification: Likely benign for Inborn genetic diseases. Last evaluated: 2025-01-03. Review status: criteria provided, single submitter. Criteria: Ambry Variant Classification Scheme 2023. Collection method: clinical testing. Allele origin: germline. Not counted in ClinVar's aggregate classification.

PreventionGenetics, part of Exact Sciences
Classification: Likely benign for RUNX1-related condition. Last evaluated: 2024-06-29. Review status: no assertion criteria provided. Collection method: clinical testing. Allele origin: germline. Not counted in ClinVar's aggregate classification.
Comment: This variant is classified as likely benign based on ACMG/AMP sequence variant interpretation guidelines (Richards et al. 2015 PMID: 25741868, with internal and published modifications).